The following is an entry in ClinVar:

NM_002579.3(PALM):c.706A>G (p.Ile236Val)

Gene: PALM (paralemmin; plus strand). Cytogenetic location: 19p13.3.
Variant type: single nucleotide variant.
Coding change: c.706A>G on transcript NM_002579.3 (MANE Select); coding-DNA position 706, A replaced by G.
Protein change: p.Ile236Val; replaces isoleucine 236 with valine.
Molecular consequence: missense variant.
Genome position (GRCh38, 1-based): chr19:746,356, A>G. VCF-style: chr19-746356-A-G. GRCh37 (hg19) VCF-style: chr19-746356-A-G.
Other names: c.574A>G, p.Ile192Val (NM_001040134.2); short protein forms I192V, I236V.
Identifiers: ClinVar variation 2403340 (VCV002403340.4), dbSNP rs375219606, ClinGen allele CA9022748.

ClinVar aggregate classification (germline): Uncertain significance. Review status: criteria provided, multiple submitters, no conflicts (2 of 4 stars). 2 submissions from 2 submitters: Uncertain significance (2). Last evaluated 2024-11-10.

Allele frequency attached by ClinVar (database versions not stated): gnomAD 0.00011; ExAC 0.00004; ESP Exome Variant Server 0.00008; TOPMed 0.00008.
gnomAD v4.1: 154 of 1,612,732 alleles (0.0095%); highest among the groups gnomAD compares: Non-Finnish European, 0.013%; no homozygotes.

Submissions (2):

Labcorp Genetics (formerly Invitae), Labcorp
Classification: Uncertain significance. Last evaluated: 2024-11-10. Review status: criteria provided, single submitter. Criteria: Invitae Variant Classification Sherloc (09022015). Collection method: clinical testing. Allele origin: germline.
Comment: This sequence change replaces isoleucine, which is neutral and non-polar, with valine, which is neutral and non-polar, at codon 236 of the PALM protein (p.Ile236Val). This variant is present in population databases (rs375219606, gnomAD 0.02%). This variant has not been reported in the literature in individuals affected with PALM-related conditions. ClinVar contains an entry for this variant (Variation ID: 2403340). An algorithm developed to predict the effect of missense changes on protein structure and function (PolyPhen-2) suggests that this variant is likely to be tolerated. In summary, the available evidence is currently insufficient to determine the role of this variant in disease. Therefore, it has been classified as a Variant of Uncertain Significance.

Ambry Genetics
Classification: Uncertain significance. Last evaluated: 2022-12-28. Review status: criteria provided, single submitter. Criteria: Ambry Variant Classification Scheme 2023. Collection method: clinical testing. Allele origin: germline.